The following is an entry in ClinVar:

NM_014915.3(ANKRD26):c.4609C>T (p.Leu1537Phe)

Gene: ANKRD26 (ankyrin repeat domain 26; minus strand). Cytogenetic location: 10p12.1.
Variant type: single nucleotide variant.
Coding change: c.4609C>T on transcript NM_014915.3 (MANE Select); coding-DNA position 4609, C replaced by T.
Protein change: p.Leu1537Phe; replaces leucine 1537 with phenylalanine.
Molecular consequence: missense variant.
Genome position (GRCh38, 1-based): chr10:27,014,609, G>A on the plus strand (C>T on the coding strand, the complement: ANKRD26 is on the minus strand). VCF-style: chr10-27014609-G-A. GRCh37 (hg19) VCF-style: chr10-27303538-G-A.
Other names: c.4606C>T, p.Leu1536Phe (NM_001256053.2); short protein forms L1536F, L1537F.
Identifiers: ClinVar variation 2170457 (VCV002170457.5), dbSNP rs377464823, ClinGen allele CA5447757.

ClinVar aggregate classification (germline): Uncertain significance. Review status: criteria provided, multiple submitters, no conflicts (2 of 4 stars). 2 submissions from 2 submitters: Uncertain significance (2). Last evaluated 2024-11-18.

Conditions:
Inborn genetic diseases. Identifiers: MedGen C0950123, MeSH D030342.

Allele frequency attached by ClinVar (database versions not stated): ExAC 0.00001; gnomAD 0.00001; gnomAD exomes 0.00001; ESP Exome Variant Server 0.00009.
gnomAD v4.1: 14 of 1,611,438 alleles (0.00087%); highest among the groups gnomAD compares: African/African-American, 0.0013%; no homozygotes.

Submissions (2):

Ambry Genetics
Classification: Uncertain significance for Inborn genetic diseases. Last evaluated: 2024-11-18. Review status: criteria provided, single submitter. Criteria: Ambry Variant Classification Scheme 2023. Collection method: clinical testing. Allele origin: germline.
Comment: The p.L1537F variant (also known as c.4609C>T), located in coding exon 31 of the ANKRD26 gene, results from a C to T substitution at nucleotide position 4609. The leucine at codon 1537 is replaced by phenylalanine, an amino acid with highly similar properties. This amino acid position is conserved. In addition, this alteration is predicted to be tolerated by in silico analysis. Based on the available evidence, the clinical significance of this variant remains unclear.

Labcorp Genetics (formerly Invitae), Labcorp
Classification: Uncertain significance. Last evaluated: 2024-10-05. Review status: criteria provided, single submitter. Criteria: Invitae Variant Classification Sherloc (09022015). Collection method: clinical testing. Allele origin: germline.
Comment: This sequence change replaces leucine, which is neutral and non-polar, with phenylalanine, which is neutral and non-polar, at codon 1537 of the ANKRD26 protein (p.Leu1537Phe). This variant is present in population databases (rs377464823, gnomAD 0.0009%). This variant has not been reported in the literature in individuals affected with ANKRD26-related conditions. ClinVar contains an entry for this variant (Variation ID: 2170457). An algorithm developed to predict the effect of missense changes on protein structure and function (PolyPhen-2) suggests that this variant is likely to be disruptive. In summary, the available evidence is currently insufficient to determine the role of this variant in disease. Therefore, it has been classified as a Variant of Uncertain Significance.